The following is an entry in ClinVar:

NM_003742.4(ABCB11):c.76+3G>A

Gene: ABCB11 (ATP binding cassette subfamily B member 11; minus strand). Cytogenetic location: 2q31.1.
Variant type: single nucleotide variant.
Coding change: c.76+3G>A on transcript NM_003742.4 (MANE Select); 3 bases into the intron after coding-DNA position 76, G replaced by A.
Molecular consequence: intron variant.
Genome position (GRCh38, 1-based): chr2:169,018,047, C>T on the plus strand (G>A on the coding strand, the complement: ABCB11 is on the minus strand). VCF-style: chr2-169018047-C-T. GRCh37 (hg19) VCF-style: chr2-169874557-C-T.
Other names: c.76+3G>A (LRG_1199t1).
Identifiers: ClinVar variation 508832 (VCV000508832.2), dbSNP rs1401888612, ClinGen allele CA429913626.

ClinVar aggregate classification (germline): Likely benign. Review status: criteria provided, multiple submitters, no conflicts (2 of 4 stars). 2 submissions from 2 submitters: Likely benign (2). Last evaluated 2025-03-07.

Conditions:
ABCB11-related disorder. Also called: ABCB11-related condition.

Allele frequency attached by ClinVar (database versions not stated): gnomAD exomes below 0.00001 and 0.00003; gnomAD 0.00002 and 0.00003; TOPMed 0.00002.
gnomAD v4.1: 52 of 1,611,708 alleles (0.0032%); highest among the groups gnomAD compares: African/African-American, 0.004%; no homozygotes.

Submissions (2):

PreventionGenetics, part of Exact Sciences
Classification: Likely benign for ABCB11-related condition. Last evaluated: 2025-03-07. Review status: criteria provided, single submitter. Criteria: ACMG Guidelines, 2015. Collection method: clinical testing. Allele origin: germline.
Comment: This variant is classified as likely benign based on ACMG/AMP sequence variant interpretation guidelines (Richards et al. 2015 PMID: 25741868, with internal and published modifications).

GeneDx
Classification: Likely benign. Last evaluated: 2017-04-20. Review status: criteria provided, single submitter. Criteria: GeneDx Variant Classification (06012015). Collection method: clinical testing. Allele origin: germline. Affected: yes.
Comment: This variant is considered likely benign or benign based on one or more of the following criteria: it is a conservative change, it occurs at a poorly conserved position in the protein, it is predicted to be benign by multiple in silico algorithms, and/or has population frequency not consistent with disease.